The following is an entry in ClinVar:

ClinVar aggregate classification (germline): Uncertain significance (1 of 4 stars; one submission).

Allele frequency attached by ClinVar (database versions not stated): TOPMed 0.00001; gnomAD exomes below 0.00001; ExAC 0.00001; gnomAD 0.00001.
gnomAD v4.1: 4 of 1,602,314 alleles (0.00025%); highest among the groups gnomAD compares: African/African-American, 0.0027%; no homozygotes.

Submission:

Labcorp Genetics (formerly Invitae), Labcorp
Classification: Uncertain significance. Last evaluated: 2022-09-23. Review status: criteria provided, single submitter. Criteria: Invitae Variant Classification Sherloc (09022015). Collection method: clinical testing. Allele origin: germline.
Comment: In summary, the available evidence is currently insufficient to determine the role of this variant in disease. Therefore, it has been classified as a Variant of Uncertain Significance. Advanced modeling of protein sequence and biophysical properties (such as structural, functional, and spatial information, amino acid conservation, physicochemical variation, residue mobility, and thermodynamic stability) performed at Invitae indicates that this missense variant is not expected to disrupt GCKR protein function. This variant has not been reported in the literature in individuals affected with GCKR-related conditions. This variant is present in population databases (rs778544287, gnomAD no frequency). This sequence change replaces phenylalanine, which is neutral and non-polar, with serine, which is neutral and polar, at codon 387 of the GCKR protein (p.Phe387Ser).

NM_001486.4(GCKR):c.1160T>C (p.Phe387Ser)

Gene: GCKR (glucokinase regulator; plus strand). Cytogenetic location: 2p23.3.
Variant type: single nucleotide variant.
Coding change: c.1160T>C on transcript NM_001486.4 (MANE Select); coding-DNA position 1160, T replaced by C.
Protein change: p.Phe387Ser; replaces phenylalanine 387 with serine.
Molecular consequence: missense variant.
Genome position (GRCh38, 1-based): chr2:27,507,697, T>C. VCF-style: chr2-27507697-T-C. GRCh37 (hg19) VCF-style: chr2-27730564-T-C.
Other names: short protein forms F387S.
Identifiers: ClinVar variation 2175272 (VCV002175272.4), dbSNP rs778544287, ClinGen allele CA1581886.